The following is an entry in ClinVar:

ClinVar aggregate classification (germline): Uncertain significance (1 of 4 stars; one submission).

Submission:

Labcorp Genetics (formerly Invitae), Labcorp
Classification: Uncertain significance. Last evaluated: 2021-08-28. Review status: criteria provided, single submitter. Criteria: Invitae Variant Classification Sherloc (09022015). Collection method: clinical testing. Allele origin: germline.
Comment: In summary, the available evidence is currently insufficient to determine the role of this variant in disease. Therefore, it has been classified as a Variant of Uncertain Significance. Algorithms developed to predict the effect of missense changes on protein structure and function (SIFT, PolyPhen-2, Align-GVGD) all suggest that this variant is likely to be tolerated. This variant has not been reported in the literature in individuals affected with RNF43-related conditions. This variant is not present in population databases (ExAC no frequency). This sequence change replaces proline with threonine at codon 712 of the RNF43 protein (p.Pro712Thr). The proline residue is moderately conserved and there is a small physicochemical difference between proline and threonine.

NM_017763.6(RNF43):c.2134C>A (p.Pro712Thr)

Gene: RNF43 (ring finger protein 43; minus strand). Cytogenetic location: 17q22.
Variant type: single nucleotide variant.
Coding change: c.2134C>A on transcript NM_017763.6 (MANE Select); coding-DNA position 2134, C replaced by A.
Protein change: p.Pro712Thr; replaces proline 712 with threonine.
Molecular consequence: missense variant.
Genome position (GRCh38, 1-based): chr17:58,357,642, G>T on the plus strand (C>A on the coding strand, the complement: RNF43 is on the minus strand). VCF-style: chr17-58357642-G-T. GRCh37 (hg19) VCF-style: chr17-56435003-G-T.
Other names: c.2134C>A, p.Pro712Thr (NM_001305544.3); c.1753C>A, p.Pro585Thr (NM_001305545.2); short protein forms P585T, P712T.
Identifiers: ClinVar variation 1515901 (VCV001515901.6), dbSNP rs2143389023, ClinGen allele CA400386086.